The following is an entry in ClinVar:

NM_000143.4(FH):c.738+9G>T

Gene: FH (fumarate hydratase; minus strand). Cytogenetic location: 1q43.
Variant type: single nucleotide variant.
Coding change: c.738+9G>T on transcript NM_000143.4 (MANE Select); 9 bases into the intron after coding-DNA position 738, G replaced by T.
Molecular consequence: intron variant.
Genome position (GRCh38, 1-based): chr1:241,508,594, C>A on the plus strand (G>T on the coding strand, the complement: FH is on the minus strand). VCF-style: chr1-241508594-C-A. GRCh37 (hg19) VCF-style: chr1-241671894-C-A.
Identifiers: ClinVar variation 697905 (VCV000697905.12), dbSNP rs1443246780, ClinGen allele CA733640069.

ClinVar aggregate classification (germline): Likely benign. Review status: criteria provided, multiple submitters, no conflicts (2 of 4 stars). 2 submissions from 2 submitters: Likely benign (2). Last evaluated 2026-01-07.

Conditions:
Hereditary leiomyomatosis and renal cell cancer. Also called: Familial leiomyomatosis; Reed syndrome; Multiple cutaneous and uterine leiomyomatosis; Cutaneous leiomyomata with uterine leiomyomata; Leiomyoma, hereditary multiple, of skin; Multiple cutaneous and uterine leiomyomata. Identifiers: Orphanet 523, MedGen C1708350, MONDO:0007888, OMIM 150800, HP:0007437. Disease mechanism: loss of function.

Allele frequency attached by ClinVar (database versions not stated): TOPMed 0.00002.
gnomAD v4.1: 1 of 1,610,390 alleles (0.000062%); highest among the groups gnomAD compares: African/African-American, 0.0013%; no homozygotes.

Submissions (2):

Labcorp Genetics (formerly Invitae), Labcorp
Classification: Likely benign. Last evaluated: 2026-01-07. Review status: criteria provided, single submitter. Criteria: Invitae Variant Classification Sherloc (09022015). Collection method: clinical testing. Allele origin: germline.

Myriad Genetics, Inc.
Classification: Likely benign for Hereditary leiomyomatosis and renal cell cancer. Last evaluated: 2024-10-18. Review status: criteria provided, single submitter. Criteria: Myriad Autosomal Dominant, Autosomal Recessive and X-Linked Classification Criteria (2023). Collection method: clinical testing. Allele origin: unknown.
Comment: This variant is considered likely benign. This variant is intronic and is not expected to impact mRNA splicing.